The following is an entry in ClinVar:

NM_005618.4(DLL1):c.844G>T (p.Gly282Cys)

Gene: DLL1 (delta like canonical Notch ligand 1; minus strand). Cytogenetic location: 6q27.
Variant type: single nucleotide variant.
Coding change: c.844G>T on transcript NM_005618.4 (MANE Select); coding-DNA position 844, G replaced by T.
Protein change: p.Gly282Cys; replaces glycine 282 with cysteine.
Molecular consequence: missense variant.
Genome position (GRCh38, 1-based): chr6:170,285,587, C>A on the plus strand (G>T on the coding strand, the complement: DLL1 is on the minus strand). VCF-style: chr6-170285587-C-A. GRCh37 (hg19) VCF-style: chr6-170594675-C-A.
Other names: c.844G>T (NM_005618.3); short protein forms G282C.
Identifiers: ClinVar variation 2657155 (VCV002657155.27), dbSNP rs1562496094, ClinGen allele CA366508617.

ClinVar aggregate classification (germline): Conflicting classifications of pathogenicity. Review status: criteria provided, conflicting classifications (1 of 4 stars). 3 submissions from 3 submitters: Likely pathogenic (1); Uncertain significance (2). Last evaluated 2026-03-25.

Conditions:
Neurodevelopmental disorder with nonspecific brain abnormalities and with or without seizures. Identifiers: MedGen C5231470, MONDO:0032877, OMIM 618709.

Submissions (3):

Kasturba Medical College, Manipal, Kasturba Medical College, Manipal, Manipal Academy of Higher Education, Manipal, India
Classification: Likely pathogenic for Neurodevelopmental disorder with nonspecific brain abnormalities and with or without seizures. Last evaluated: 2026-03-25. Review status: criteria provided, single submitter. Criteria: ACMG Guidelines, 2015. Collection method: research. Allele origin: de novo. Inheritance: Autosomal dominant inheritance. Affected: yes. Observed: 1 variant allele, 1 heterozygote.
Comment: This variant is absent in the gnomAD (v4.1.0) population database and our in-house data of 4047 exomes. In-silico analysis tools (REVEL, CADD_phred) are consistent in predicting the variant to be damaging to the DLL1 protein function. This variant has been reported in ClinVar as variant of uncertain significance by two submitters (VCV002657155.22).

GeneDx
Classification: Uncertain significance. Last evaluated: 2025-12-10. Review status: criteria provided, single submitter. Criteria: GeneDx Variant Classification Process June 2021. Collection method: clinical testing. Allele origin: germline. Affected: yes.
Comment: Not observed at significant frequency in large population cohorts (gnomAD); In silico analysis supports that this missense variant has a deleterious effect on protein structure/function; Has not been previously published as pathogenic or benign to our knowledge

CeGaT Center for Human Genetics Tuebingen
Classification: Uncertain significance. Last evaluated: 2022-11-01. Review status: criteria provided, single submitter. Criteria: CeGaT Center For Human Genetics Tuebingen Variant Classification Criteria Version 2. Collection method: clinical testing. Allele origin: germline. Affected: yes. Observed: 1 variant allele.
Comment: DLL1: PM2